The following is an entry in ClinVar:

ClinVar aggregate classification (germline): Uncertain significance (1 of 4 stars; one submission).

Submission:

GeneDx
Classification: Uncertain significance. Last evaluated: 2026-03-19. Review status: criteria provided, single submitter. Criteria: GeneDx Variant Classification Process June 2021. Collection method: clinical testing. Allele origin: germline.
Comment: Not observed at significant frequency in large population cohorts (gnomAD); In silico analysis supports that this missense variant has a deleterious effect on protein structure/function; Has not been previously published as pathogenic or benign to our knowledge; This substitution is predicted to be within the cytoplasmic loop between the second and third homologous domains

NM_001330260.2(SCN8A):c.3347A>G (p.Glu1116Gly)

Gene: SCN8A (sodium voltage-gated channel alpha subunit 8; plus strand). Cytogenetic location: 12q13.13.
Variant type: single nucleotide variant.
Coding change: c.3347A>G on transcript NM_001330260.2 (MANE Select); coding-DNA position 3347, A replaced by G.
Protein change: p.Glu1116Gly; replaces glutamic acid 1116 with glycine.
Molecular consequence: missense variant.
Genome position (GRCh38, 1-based): chr12:51,769,310, A>G. VCF-style: chr12-51769310-A-G. GRCh37 (hg19) VCF-style: chr12-52163094-A-G.
Other names: c.3347A>G, p.Glu1116Gly (NM_001177984.3, NM_001369788.1, NM_014191.4); short protein forms E1116G.
Identifiers: ClinVar variation 5016948 (VCV005016948.1).